The following is an entry in ClinVar:

ClinVar aggregate classification (germline): Likely benign (0 of 4 stars; one submission).

Conditions:
PHF6-related disorder. Also called: PHF6-related condition.

gnomAD v4.1: 23 of 1,211,212 alleles (0.0019%); highest among the groups gnomAD compares: Non-Finnish European, 0.0023%; no homozygotes.

Submission:

PreventionGenetics, part of Exact Sciences
Classification: Likely benign for PHF6-related condition. Last evaluated: 2023-12-21. Review status: no assertion criteria provided. Collection method: clinical testing. Allele origin: germline.
Comment: This variant is classified as likely benign based on ACMG/AMP sequence variant interpretation guidelines (Richards et al. 2015 PMID: 25741868, with internal and published modifications).

NM_001015877.2(PHF6):c.476A>G (p.Lys159Arg)

Gene: PHF6 (PHD finger protein 6; plus strand). Cytogenetic location: Xq26.2.
Variant type: single nucleotide variant.
Coding change: c.476A>G on transcript NM_001015877.2 (MANE Select); coding-DNA position 476, A replaced by G.
Protein change: p.Lys159Arg; replaces lysine 159 with arginine.
Molecular consequence: missense variant.
Genome position (GRCh38, 1-based): chrX:134,413,548, A>G. VCF-style: chrX-134413548-A-G. GRCh37 (hg19) VCF-style: chrX-133547578-A-G.
Other names: c.479A>G, p.Lys160Arg (NM_032335.3); c.476A>G, p.Lys159Arg (NM_032458.3); short protein forms K159R, K160R.
Identifiers: ClinVar variation 3356871 (VCV003356871.1).
Genomic context (GRCh38, chrX:134,413,548, plus strand): 5'-CAGCTGATTTAGAAGAAAGTTTTAATGAACATGAACTGGAGCCCTCATCACCTAAAAGTA[A>G]AAAGAAAAGTCGCAAAGGAAGGCCAAGAAAAACTAATTTTAAAGGGCTGTCAGAAGATAC-3'
Protein context (NP_001015877.1, residues 149-169): HELEPSSPKS[Lys159Arg]KKSRKGRPRK